The following is an entry in ClinVar:

NM_025114.4(CEP290):c.3956del (p.Leu1319fs)

Gene: CEP290 (centrosomal protein 290; minus strand). Cytogenetic location: 12q21.32.
Variant type: Deletion.
Coding change: c.3956del on transcript NM_025114.4 (MANE Select); coding-DNA position 3956, one base deleted (T; older notation c.3956delT).
Protein change: p.Leu1319fs; shifts the reading frame from leucine 1319.
Molecular consequence: frameshift variant.
Genome position (GRCh38, 1-based): chr12:88,089,105, A deleted on the plus strand (T on the coding strand, the reverse complement: CEP290 is on the minus strand); the first of 2 consecutive A bases (chr12:88,089,105-88,089,106); deleting either gives the same sequence. VCF-style (leftmost placement, unchanged base first): chr12-88089104-CA-C. GRCh37 (hg19) VCF-style: chr12-88482881-CA-C.
Other names: short protein forms L1319fs.
Identifiers: ClinVar variation 1073038 (VCV001073038.7), dbSNP rs2137269723, ClinGen allele CA2499221888.
Genomic context (GRCh38, chr12:88,089,104, plus strand): 5'-TTTGGTATCCTTTAAAGTGCTTATTAACTCTTCCAGGCCCTTTAATTTTAATTCCATCTC[CA>C]ATGTTTTGTTCTCCATATTTCTATGTTCTTGTTGAGAATTTTTCATTTCTTGCATTATCT-3'

ClinVar aggregate classification (germline): Pathogenic (1 of 4 stars; one submission).

Conditions:
Joubert syndrome. Also called: Familial aplasia of the vermis; CEREBELLOPARENCHYMAL DISORDER IV; JOUBERT-BOLTSHAUSER SYNDROME. Identifiers: Orphanet 475, MedGen C5979921, MONDO:0018772.
Meckel-Gruber syndrome. Also called: Dysencephalia splachnocystica; DYSENCEPHALIA SPLANCHNOCYSTICA; GRUBER SYNDROME. Identifiers: Orphanet 564, MedGen C0265215, MONDO:0018921.
Nephronophthisis. Also called: Juvenile Nephronophthisis. Identifiers: Orphanet 655, MedGen C0687120, MONDO:0019005, HP:0000090.

Submission:

Labcorp Genetics (formerly Invitae), Labcorp
Classification: Pathogenic for Joubert syndrome; Meckel-Gruber syndrome; Nephronophthisis. Last evaluated: 2020-05-20. Review status: criteria provided, single submitter. Criteria: Invitae Variant Classification Sherloc (09022015). Collection method: clinical testing. Allele origin: germline.
Comment: For these reasons, this variant has been classified as Pathogenic. Loss-of-function variants in CEP290 are known to be pathogenic (PMID: 16909394, 17345604, 20690115, 25377065, 28559085). This variant has not been reported in the literature in individuals with CEP290-related conditions. This variant is not present in population databases (ExAC no frequency). This sequence change creates a premature translational stop signal (p.Leu1319Trpfs*5) in the CEP290 gene. It is expected to result in an absent or disrupted protein product.

Literature cited by the submitters: PubMed 16909394; PubMed 17345604; PubMed 20690115; PubMed 25377065; PubMed 28559085.